The following is an entry in ClinVar:

ClinVar aggregate classification (germline): Uncertain significance (1 of 4 stars; one submission).

Submission:

GeneDx
Classification: Uncertain significance. Last evaluated: 2023-11-09. Review status: criteria provided, single submitter. Criteria: GeneDx Variant Classification Process June 2021. Collection method: clinical testing. Allele origin: germline. Affected: yes.
Comment: Not observed at significant frequency in large population cohorts (gnomAD); Canonical splice site variant in a gene or region of a gene for which loss of function is not a well-established mechanism of disease; Has not been previously published as pathogenic or benign to our knowledge

NM_001267550.2(TTN):c.39295+1G>T

Gene: TTN (titin; minus strand). Cytogenetic location: 2q31.2.
Variant type: single nucleotide variant.
Coding change: c.39295+1G>T on transcript NM_001267550.2 (MANE Select); the canonical splice donor site of the intron after coding-DNA position 39295, G replaced by T.
Molecular consequence: splice donor variant. On other transcripts: intron variant (3).
Genome position (GRCh38, 1-based): chr2:178,652,095, C>A on the plus strand (G>T on the coding strand, the complement: TTN is on the minus strand). VCF-style: chr2-178652095-C-A. GRCh37 (hg19) VCF-style: chr2-179516822-C-A.
Other names: c.13283-9778G>T (NM_003319.4); c.13859-9778G>T (NM_133437.4); c.13658-9778G>T (NM_133432.3); c.31993+1G>T (NM_133378.4); c.34774+1G>T (NM_001256850.1).
Identifiers: ClinVar variation 3363977 (VCV003363977.1).